The following is an entry in ClinVar:

NM_000539.3(RHO):c.826T>G (p.Phe276Val)

Gene: RHO (rhodopsin; plus strand). Cytogenetic location: 3q22.1.
Variant type: single nucleotide variant.
Coding change: c.826T>G on transcript NM_000539.3 (MANE Select); coding-DNA position 826, T replaced by G.
Protein change: p.Phe276Val; replaces phenylalanine 276 with valine.
Molecular consequence: missense variant.
Genome position (GRCh38, 1-based): chr3:129,532,662, T>G. VCF-style: chr3-129532662-T-G. GRCh37 (hg19) VCF-style: chr3-129251505-T-G.
Other names: short protein forms F276V.
Identifiers: ClinVar variation 1046383 (VCV001046383.24), dbSNP rs766943400, ClinGen allele CA2607294.

ClinVar aggregate classification (germline): Uncertain significance. Review status: criteria provided, multiple submitters, no conflicts (2 of 4 stars). 4 submissions from 4 submitters: Uncertain significance (4). Last evaluated 2025-06-03.

Conditions:
RHO-related disorder. Also called: RHO-related condition.

Allele frequency attached by ClinVar (database versions not stated): TOPMed 0.00002; gnomAD 0.00003 and 0.00004; gnomAD exomes 0.00003 and 0.00005; ExAC 0.00004.
gnomAD v4.1: 45 of 1,614,112 alleles (0.0028%); highest among the groups gnomAD compares: Middle Eastern, 0.35%; no homozygotes.

Submissions (4):

PreventionGenetics, part of Exact Sciences
Classification: Uncertain significance for RHO-related condition. Last evaluated: 2025-06-03. Review status: criteria provided, single submitter. Criteria: ACMG Guidelines, 2015. Collection method: clinical testing. Allele origin: germline.
Comment: The RHO c.826T>G variant is predicted to result in the amino acid substitution p.Phe276Val. This variant was reported in an individual with retinitis pigmentosa (supplementary data, Del Pozo-Valero et al. 2022. PubMed ID: 35119454). This variant is reported in 0.0096% of alleles in individuals of Ashkenazi Jewish descent in gnomAD. At this time, the clinical significance of this variant is uncertain due to the absence of conclusive functional and genetic evidence.

Labcorp Genetics (formerly Invitae), Labcorp
Classification: Uncertain significance. Last evaluated: 2025-03-20. Review status: criteria provided, single submitter. Criteria: Invitae Variant Classification Sherloc (09022015). Collection method: clinical testing. Allele origin: germline.
Comment: This sequence change replaces phenylalanine, which is neutral and non-polar, with valine, which is neutral and non-polar, at codon 276 of the RHO protein (p.Phe276Val). This variant is present in population databases (rs766943400, gnomAD 0.01%). This missense change has been observed in individuals with RHO-related conditions (PMID: 35119454; internal data). ClinVar contains an entry for this variant (Variation ID: 1046383). Invitae Evidence Modeling of protein sequence and biophysical properties (such as structural, functional, and spatial information, amino acid conservation, physicochemical variation, residue mobility, and thermodynamic stability) has been performed for this missense variant. However, the output from this modeling did not meet the statistical confidence thresholds required to predict the impact of this variant on RHO protein function. In summary, the available evidence is currently insufficient to determine the role of this variant in disease. Therefore, it has been classified as a Variant of Uncertain Significance.

CeGaT Center for Human Genetics Tuebingen
Classification: Uncertain significance. Last evaluated: 2024-09-01. Review status: criteria provided, single submitter. Criteria: CeGaT Center For Human Genetics Tuebingen Variant Classification Criteria Version 2. Collection method: clinical testing. Allele origin: germline. Affected: yes. Observed: 1 variant allele.
Comment: RHO: PM2:Supporting, PS4:Supporting

Blueprint Genetics
Classification: Uncertain significance. Last evaluated: 2024-04-12. Review status: criteria provided, single submitter. Criteria: ACMG Guidelines, 2015. Collection method: clinical testing. Allele origin: germline.

Literature cited by the submitters: PubMed 35119454 (cited by Labcorp Genetics (formerly Invitae), Labcorp).